The following is an entry in ClinVar:

ClinVar aggregate classification (germline): Likely benign (0 of 4 stars; one submission).

Conditions:
XIRP1-related disorder. Also called: XIRP1-related condition.

Allele frequency attached by ClinVar (database versions not stated): ESP Exome Variant Server 0.00062; ExAC 0.00087; TOPMed 0.00087; gnomAD 0.00102.

Submission:

PreventionGenetics, part of Exact Sciences
Classification: Likely benign for XIRP1-related condition. Last evaluated: 2023-01-12. Review status: no assertion criteria provided. Collection method: clinical testing. Allele origin: germline.
Comment: This variant is classified as likely benign based on ACMG/AMP sequence variant interpretation guidelines (Richards et al. 2015 PMID: 25741868, with internal and published modifications).

NM_194293.4(XIRP1):c.3442G>A (p.Val1148Met)

Gene: XIRP1 (xin actin binding repeat containing 1; minus strand). Cytogenetic location: 3p22.2.
Variant type: single nucleotide variant.
Coding change: c.3442G>A on transcript NM_194293.4 (MANE Select); coding-DNA position 3442, G replaced by A.
Protein change: p.Val1148Met; replaces valine 1148 with methionine.
Molecular consequence: missense variant. On other transcripts: intron variant (2).
Genome position (GRCh38, 1-based): chr3:39,186,004, C>T on the plus strand (G>A on the coding strand, the complement: XIRP1 is on the minus strand). VCF-style: chr3-39186004-C-T. GRCh37 (hg19) VCF-style: chr3-39227495-C-T.
Other names: c.-167-343G>A (NM_001351377.2); c.3357+85G>A (NM_001198621.4); short protein forms V1148M.
Identifiers: ClinVar variation 3041014 (VCV003041014.2), dbSNP rs142860074, ClinGen allele CA2326042.